The following is an entry in ClinVar:

NM_005751.5(AKAP9):c.9017A>C (p.Glu3006Ala)

Gene: AKAP9 (A-kinase anchoring protein 9; plus strand). Cytogenetic location: 7q21.2.
Variant type: single nucleotide variant.
Coding change: c.9017A>C on transcript NM_005751.5 (MANE Select); coding-DNA position 9017, A replaced by C.
Protein change: p.Glu3006Ala; replaces glutamic acid 3006 with alanine.
Molecular consequence: missense variant.
Genome position (GRCh38, 1-based): chr7:92,085,679, A>C. VCF-style: chr7-92085679-A-C. GRCh37 (hg19) VCF-style: chr7-91714993-A-C.
Other names: c.3662A>C, p.Glu1221Ala (NM_001379277.1); c.8993A>C, p.Glu2998Ala (NM_147185.3); c.9017A>C (NM_005751.4); short protein forms E1221A, E2998A, E3006A.
Identifiers: ClinVar variation 1061443 (VCV001061443.8), dbSNP rs1814426128, ClinGen allele CA368143210.

ClinVar aggregate classification (germline): Uncertain significance. Review status: criteria provided, multiple submitters, no conflicts (2 of 4 stars). 2 submissions from 2 submitters: Uncertain significance (2). Last evaluated 2025-12-09.

Conditions:
Cardiovascular phenotype. Identifiers: MedGen CN230736.
Long QT syndrome (LQTS). Identifiers: MedGen C0023976, MeSH D008133, MONDO:0002442. Disease mechanism: loss of function. Inheritance: Various modes of inheritance.

Allele frequency attached by ClinVar (database versions not stated): TOPMed below 0.00001.

Submissions (2):

Ambry Genetics
Classification: Uncertain significance for Cardiovascular phenotype. Last evaluated: 2025-12-09. Review status: criteria provided, single submitter. Criteria: Ambry Variant Classification Scheme 2023. Collection method: clinical testing. Allele origin: germline.

Labcorp Genetics (formerly Invitae), Labcorp
Classification: Uncertain significance for Long QT syndrome. Last evaluated: 2021-12-01. Review status: criteria provided, single submitter. Criteria: Invitae Variant Classification Sherloc (09022015). Collection method: clinical testing. Allele origin: germline.
Comment: This sequence change replaces glutamic acid, which is acidic and polar, with alanine, which is neutral and non-polar, at codon 3006 of the AKAP9 protein (p.Glu3006Ala). This variant is not present in population databases (gnomAD no frequency). This variant has not been reported in the literature in individuals affected with AKAP9-related conditions. ClinVar contains an entry for this variant (Variation ID: 1061443). Algorithms developed to predict the effect of missense changes on protein structure and function are either unavailable or do not agree on the potential impact of this missense change (SIFT: "Tolerated"; PolyPhen-2: "Possibly Damaging"; Align-GVGD: "Class C0"). In summary, the available evidence is currently insufficient to determine the role of this variant in disease. Therefore, it has been classified as a Variant of Uncertain Significance.